The following is an entry in ClinVar:

ClinVar aggregate classification (germline): Uncertain significance (1 of 4 stars; one submission).

Submission:

Labcorp Genetics (formerly Invitae), Labcorp
Classification: Uncertain significance. Last evaluated: 2023-02-03. Review status: criteria provided, single submitter. Criteria: Invitae Variant Classification Sherloc (09022015). Collection method: clinical testing. Allele origin: germline.
Comment: This missense change has been observed in at least one individual who was not affected with FZD5-related conditions (Invitae). This variant has not been reported in the literature in individuals affected with FZD5-related conditions. This variant is not present in population databases (gnomAD no frequency). This sequence change replaces proline, which is neutral and non-polar, with leucine, which is neutral and non-polar, at codon 267 of the FZD5 protein (p.Pro267Leu). In summary, the available evidence is currently insufficient to determine the role of this variant in disease. Therefore, it has been classified as a Variant of Uncertain Significance. Advanced modeling of protein sequence and biophysical properties (such as structural, functional, and spatial information, amino acid conservation, physicochemical variation, residue mobility, and thermodynamic stability) performed at Invitae indicates that this missense variant is expected to disrupt FZD5 protein function.

NM_003468.4(FZD5):c.800C>T (p.Pro267Leu)

Gene: FZD5 (frizzled class receptor 5; minus strand). Cytogenetic location: 2q33.3.
Variant type: single nucleotide variant.
Coding change: c.800C>T on transcript NM_003468.4 (MANE Select); coding-DNA position 800, C replaced by T.
Protein change: p.Pro267Leu; replaces proline 267 with leucine.
Molecular consequence: missense variant.
Genome position (GRCh38, 1-based): chr2:207,767,940, G>A on the plus strand (C>T on the coding strand, the complement: FZD5 is on the minus strand). VCF-style: chr2-207767940-G-A. GRCh37 (hg19) VCF-style: chr2-208632664-G-A.
Other names: short protein forms P267L.
Identifiers: ClinVar variation 2024628 (VCV002024628.4), dbSNP rs2470339087, ClinGen allele CA350086635.
Genomic context (GRCh38, chr2:207,767,940, plus strand): 5'-ACCAGGAAGCCCAGCGACACGCACAGGTAGCAGGCTGACAGGAAGATGATGGGGCGCTCA[G>A]GATAGCGGAAGCGTTCCATGTCGATGAGGAAGGTGGCCACTGTGGTGGACGTGGAGATGA-3'
Protein context (NP_003459.2, residues 257-277): FLIDMERFRY[Pro267Leu]ERPIIFLSAC